The following is an entry in ClinVar:

ClinVar aggregate classification (germline): Uncertain significance. Review status: criteria provided, multiple submitters, no conflicts (2 of 4 stars). 3 submissions from 3 submitters: Uncertain significance (3). Last evaluated 2024-09-30.

Conditions:
Inborn genetic diseases. Identifiers: MedGen C0950123, MeSH D030342.
Congenital myasthenic syndrome 8. Also called: MYASTHENIC SYNDROME, CONGENITAL, DUE TO AGRIN DEFICIENCY; Myasthenic syndrome, congenital, 8, with pre- and postsynaptic defects. Identifiers: Orphanet 590, MedGen C3808739, MONDO:0014052, OMIM 615120.

Allele frequency attached by ClinVar (database versions not stated): TOPMed below 0.00001; gnomAD 0.00002; ExAC 0.00007; gnomAD exomes 0.00008; 1000 Genomes Project 30x 0.00016; 1000 Genomes Project 0.00020.
gnomAD v4.1: 49 of 1,613,058 alleles (0.003%); highest among the groups gnomAD compares: South Asian, 0.04%; no homozygotes.

Submissions (3):

Ambry Genetics
Classification: Uncertain significance for Inborn genetic diseases. Last evaluated: 2024-09-30. Review status: criteria provided, single submitter. Criteria: Ambry Variant Classification Scheme 2023. Collection method: clinical testing. Allele origin: germline.

Labcorp Genetics (formerly Invitae), Labcorp
Classification: Uncertain significance for Congenital myasthenic syndrome 8. Last evaluated: 2022-10-17. Review status: criteria provided, single submitter. Criteria: Invitae Variant Classification Sherloc (09022015). Collection method: clinical testing. Allele origin: germline.
Comment: In summary, the available evidence is currently insufficient to determine the role of this variant in disease. Therefore, it has been classified as a Variant of Uncertain Significance. Algorithms developed to predict the effect of missense changes on protein structure and function are either unavailable or do not agree on the potential impact of this missense change (SIFT: "Tolerated"; PolyPhen-2: "Possibly Damaging"; Align-GVGD: "Class C0"). ClinVar contains an entry for this variant (Variation ID: 1055986). This variant has not been reported in the literature in individuals affected with AGRN-related conditions. This variant is present in population databases (rs565444145, gnomAD 0.06%). This sequence change replaces serine, which is neutral and polar, with leucine, which is neutral and non-polar, at codon 698 of the AGRN protein (p.Ser698Leu).

Kasturba Medical College, Manipal, Kasturba Medical College, Manipal, Manipal Academy of Higher Education, Manipal, India
Classification: Uncertain significance for Congenital myasthenic syndrome 8. Review status: criteria provided, single submitter. Criteria: ACMG Guidelines, 2015. Collection method: clinical testing. Allele origin: inherited. Inheritance: Autosomal recessive inheritance. Affected: yes.

NM_198576.4(AGRN):c.2093C>T (p.Ser698Leu)

Gene: AGRN (agrin; plus strand). Cytogenetic location: 1p36.33.
Variant type: single nucleotide variant.
Coding change: c.2093C>T on transcript NM_198576.4 (MANE Select); coding-DNA position 2093, C replaced by T.
Protein change: p.Ser698Leu; replaces serine 698 with leucine.
Molecular consequence: missense variant.
Genome position (GRCh38, 1-based): chr1:1,044,202, C>T. VCF-style: chr1-1044202-C-T. GRCh37 (hg19) VCF-style: chr1-979582-C-T.
Other names: c.2093C>T, p.Ser698Leu (NM_001305275.2); c.1778C>T, p.Ser593Leu (NM_001364727.2); short protein forms S593L, S698L.
Identifiers: ClinVar variation 1055986 (VCV001055986.9), dbSNP rs565444145, ClinGen allele CA508463.